The following is an entry in ClinVar:

NM_007059.4(KPTN):c.500A>G (p.Asp167Gly)

Gene: KPTN (kaptin, actin binding protein; minus strand). Cytogenetic location: 19q13.32.
Variant type: single nucleotide variant.
Coding change: c.500A>G on transcript NM_007059.4 (MANE Select); coding-DNA position 500, A replaced by G.
Protein change: p.Asp167Gly; replaces aspartic acid 167 with glycine.
Molecular consequence: missense variant. On other transcripts: non-coding transcript variant (1).
Genome position (GRCh38, 1-based): chr19:47,480,983, T>C on the plus strand (A>G on the coding strand, the complement: KPTN is on the minus strand). VCF-style: chr19-47480983-T-C. GRCh37 (hg19) VCF-style: chr19-47984240-T-C.
Other names: c.332A>G, p.Asp111Gly (NM_001291296.2); short protein forms D111G, D167G.
Identifiers: ClinVar variation 4540303 (VCV004540303.1).

ClinVar aggregate classification (germline): Uncertain significance (1 of 4 stars; one submission).

gnomAD v4.1: 2 of 1,600,010 alleles (0.00012%); highest among the groups gnomAD compares: Non-Finnish European, 0.00017%; no homozygotes.

Submission:

GeneDx
Classification: Uncertain significance. Last evaluated: 2025-06-23. Review status: criteria provided, single submitter. Criteria: GeneDx Variant Classification Process June 2021. Collection method: clinical testing. Allele origin: germline. Affected: yes.
Comment: Not observed at significant frequency in large population cohorts (gnomAD); In silico analysis supports that this missense variant has a deleterious effect on protein structure/function; Has not been previously published as pathogenic or benign to our knowledge